The following is an entry in ClinVar:

ClinVar aggregate classification (germline): Conflicting classifications of pathogenicity. Review status: criteria provided, conflicting classifications (1 of 4 stars). 2 submissions from 2 submitters: Uncertain significance (1); Likely benign (1). Last evaluated 2025-06-25.

gnomAD v4.1: 49 of 1,609,484 alleles (0.003%); highest among the groups gnomAD compares: Non-Finnish European, 0.0033%; no homozygotes.

Submissions (2):

Labcorp Genetics (formerly Invitae), Labcorp
Classification: Likely benign. Last evaluated: 2025-06-25. Review status: criteria provided, single submitter. Criteria: Invitae Variant Classification Sherloc (09022015). Collection method: clinical testing. Allele origin: germline.

GeneDx
Classification: Uncertain significance. Last evaluated: 2023-10-05. Review status: criteria provided, single submitter. Criteria: GeneDx Variant Classification Process June 2021. Collection method: clinical testing. Allele origin: germline. Affected: yes.
Comment: In silico analysis supports that this missense variant does not alter protein structure/function; Has not been previously published as pathogenic or benign to our knowledge

NM_006941.4(SOX10):c.1031C>T (p.Thr344Met)

Genes: POLR2F (RNA polymerase II, I and III subunit F; plus strand), SOX10 (SRY-box transcription factor 10; minus strand). Cytogenetic location: 22q13.1.
Variant type: single nucleotide variant.
Coding change: c.1031C>T on transcript NM_006941.4 (MANE Select); coding-DNA position 1031, C replaced by T.
Protein change: p.Thr344Met; replaces threonine 344 with methionine.
Molecular consequence: missense variant. On other transcripts: intron variant (3).
Genome position (GRCh38, 1-based): chr22:37,973,865, G>A on the plus strand (C>T on the coding strand, the complement: SOX10 is on the minus strand). VCF-style: chr22-37973865-G-A. GRCh37 (hg19) VCF-style: chr22-38369872-G-A.
Other names: c.*38+1555G>A (NM_001363825.1); c.293+6695G>A (NM_001301130.2, NM_001301131.2); short protein forms T344M.
Identifiers: ClinVar variation 3342428 (VCV003342428.2).
Genomic context (GRCh38, chr22:37,973,865, plus strand): 5'-TGGGGCCCCGCGGTCTCTGTCTTCACCTGGGCTTTGGCATCCACACCAGGTGGTGAGACC[G>A]TGGGCAGAGCCACGCCTGGTGGCTTGGAGATCCAGGCGGAGTGTCCACTGGCCACGGCCA-3'
Protein context (NP_008872.1, residues 334-354): ISKPPGVALP[Thr344Met]VSPPGVDAKA